The following is an entry in ClinVar:

ClinVar aggregate classification (germline): Uncertain significance (1 of 4 stars; one submission).

Conditions:
Hereditary pancreatitis (PCTT). Also called: Hereditary chronic pancreatitis; PRSS1-Related Hereditary Pancreatitis. Identifiers: Orphanet 676, MedGen C0238339, MONDO:0008185, OMIM 167800.

Allele frequency attached by ClinVar (database versions not stated): gnomAD exomes 0.00001; ExAC 0.00002.
gnomAD v4.1: 8 of 1,614,174 alleles (0.0005%); highest among the groups gnomAD compares: Non-Finnish European, 0.00068%; no homozygotes.

Submission:

Ambry Genetics
Classification: Uncertain significance for Hereditary pancreatitis. Last evaluated: 2025-10-23. Review status: criteria provided, single submitter. Criteria: Ambry Variant Classification Scheme 2023. Collection method: clinical testing. Allele origin: germline.
Comment: The p.S66N variant (also known as c.197G>A), located in coding exon 3 of the CTRC gene, results from a G to A substitution at nucleotide position 197. The serine at codon 66 is replaced by asparagine, an amino acid with highly similar properties. This amino acid position is poorly conserved in available vertebrate species, and asparagine is the reference amino acid in other vertebrate species. In addition, this alteration is predicted to be tolerated by in silico analysis. Since supporting evidence is limited at this time, the clinical significance of this alteration remains unclear.

NM_007272.3(CTRC):c.197G>A (p.Ser66Asn)

Gene: CTRC (chymotrypsin C; plus strand). Cytogenetic location: 1p36.21.
Variant type: single nucleotide variant.
Coding change: c.197G>A on transcript NM_007272.3 (MANE Select); coding-DNA position 197, G replaced by A.
Protein change: p.Ser66Asn; replaces serine 66 with asparagine.
Molecular consequence: missense variant.
Genome position (GRCh38, 1-based): chr1:15,440,557, G>A. VCF-style: chr1-15440557-G-A. GRCh37 (hg19) VCF-style: chr1-15767053-G-A.
Other names: short protein forms S66N.
Identifiers: ClinVar variation 1783783 (VCV001783783.4), dbSNP rs748861167, ClinGen allele CA613256.